The following is an entry in ClinVar:

ClinVar aggregate classification (germline): Uncertain significance. Review status: criteria provided, multiple submitters, no conflicts (2 of 4 stars). 3 submissions from 3 submitters: Uncertain significance (3). Last evaluated 2026-08-05.

Conditions:
MYO18B-related disorder. Also called: MYO18B-related condition.
Klippel-Feil anomaly-myopathy-facial dysmorphism syndrome. Also called: Klippel-Feil syndrome 4, autosomal recessive, with myopathy and facial dysmorphism; Klippel-feil syndrome 4, autosomal recessive, with nemaline myopathy and facial dysmorphism. Identifiers: Orphanet 447974, MedGen C4225285, MONDO:0014689, OMIM 616549.
Inborn genetic diseases. Identifiers: MedGen C0950123, MeSH D030342.

Allele frequency attached by ClinVar (database versions not stated): gnomAD 0.00003; TOPMed 0.00003; ExAC 0.00004; gnomAD exomes 0.00011.
gnomAD v4.1: 165 of 1,608,244 alleles (0.01%); highest among the groups gnomAD compares: East Asian, 0.022%; no homozygotes.

Submissions (3):

PreventionGenetics, part of Exact Sciences
Classification: Uncertain significance for MYO18B-related condition. Last evaluated: 2026-08-05. Review status: criteria provided, single submitter. Criteria: ACMG Guidelines, 2015. Collection method: clinical testing. Allele origin: germline.
Comment: The MYO18B c.2503G>A variant is predicted to result in the amino acid substitution p.Ala835Thr. To our knowledge, this variant has not been reported in the literature. This variant is reported in 0.0066% of alleles in individuals of South Asian descent in gnomAD. At this time, the clinical significance of this variant is uncertain due to the absence of conclusive functional and genetic evidence.

Ambry Genetics
Classification: Uncertain significance for Inborn genetic diseases. Last evaluated: 2025-10-02. Review status: criteria provided, single submitter. Criteria: Ambry Variant Classification Scheme 2023. Collection method: clinical testing. Allele origin: germline.

Revvity Omics, Revvity
Classification: Uncertain significance for Klippel-Feil anomaly-myopathy-facial dysmorphism syndrome. Last evaluated: 2023-01-26. Review status: criteria provided, single submitter. Criteria: ACMG Guidelines, 2015. Collection method: clinical testing. Allele origin: germline.

NM_032608.7(MYO18B):c.2503G>A (p.Ala835Thr)

Gene: MYO18B (myosin XVIIIB; plus strand). Cytogenetic location: 22q12.1.
Variant type: single nucleotide variant.
Coding change: c.2503G>A on transcript NM_032608.7 (MANE Select); coding-DNA position 2503, G replaced by A.
Protein change: p.Ala835Thr; replaces alanine 835 with threonine.
Molecular consequence: missense variant.
Genome position (GRCh38, 1-based): chr22:25,798,079, G>A. VCF-style: chr22-25798079-G-A. GRCh37 (hg19) VCF-style: chr22-26194046-G-A.
Other names: c.2503G>A, p.Ala835Thr (NM_001318245.2); c.2503G>A (NM_032608.6, NM_032608.5); short protein forms A835T.
Identifiers: ClinVar variation 2433965 (VCV002433965.7), dbSNP rs755534991, ClinGen allele CA10160189.